The following is an entry in ClinVar:

NM_016379.4(VCX3A):c.538A>G (p.Met180Val)

Genes: VCX3A (variable charge X-linked 3A; minus strand), LOC106029240 (S232-VCX3A recombination region; plus strand). Cytogenetic location: Xp22.31.
Variant type: single nucleotide variant.
Coding change: c.538A>G on transcript NM_016379.4 (MANE Select); coding-DNA position 538, A replaced by G.
Protein change: p.Met180Val; replaces methionine 180 with valine.
Molecular consequence: missense variant.
Genome position (GRCh38, 1-based): chrX:6,533,768, T>C on the plus strand (A>G on the coding strand, the complement: VCX3A is on the minus strand). VCF-style: chrX-6533768-T-C. GRCh37 (hg19) VCF-style: chrX-6451809-T-C.
Other names: short protein forms M180V.
Identifiers: ClinVar variation 2659907 (VCV002659907.24), dbSNP rs142369875, ClinGen allele CA10341427.
Genomic context (GRCh38, chrX:6,533,768, plus strand): 5'-AGTCGCTGCTCTCGGAGATAGGGGAGTAGCTGGCCGTCTACACACTCGGTAGTTCTTCCA[T>C]CTCGCTCTCCTGACTCAGTGGTTCCTCCACCTGGCTCTCCTGACTCAGTGGTTCCTCCAC-3'
Protein context (NP_057463.2, residues 170-186): VEEPLSQESE[Met180Val]EELPSV

ClinVar aggregate classification (germline): Likely benign (1 of 4 stars; one submission).

Allele frequency attached by ClinVar (database versions not stated): ESP Exome Variant Server 0.00682; 1000 Genomes Project 0.00159; gnomAD 0.00313.

Submission:

CeGaT Center for Human Genetics Tuebingen
Classification: Likely benign. Last evaluated: 2023-08-01. Review status: criteria provided, single submitter. Criteria: CeGaT Center For Human Genetics Tuebingen Variant Classification Criteria Version 2. Collection method: clinical testing. Allele origin: germline. Affected: yes. Observed: 3 variant alleles.
Comment: VCX3A: BS2